The following is an entry in ClinVar:

ClinVar aggregate classification (germline): Conflicting classifications of pathogenicity. Review status: criteria provided, conflicting classifications (1 of 4 stars). 12 submissions from 12 submitters: Pathogenic (4); Likely pathogenic (5); Uncertain significance (2). 1 of the submissions does not count toward it. Last evaluated 2026-04-03.

Conditions:
Semidominant FLG-related disorders.
Palmoplantar keratodermas.
Dermatitis, atopic, 2. Identifiers: MedGen C1853965, MONDO:0011596, OMIM 605803.
Ichthyosis vulgaris. Also called: ICHTHYOSIS SIMPLEX; Dominant ichthyosis vulgaris. Identifiers: MedGen C0079584, MONDO:0024304, OMIM 146700.

Allele frequency attached by ClinVar (database versions not stated): gnomAD 0.00045 and 0.00063; TOPMed 0.00112; ExAC 0.00138; 1000 Genomes Project 30x 0.00390; 1000 Genomes Project 0.00399.
gnomAD v4.1: 729 of 1,614,234 alleles (0.045%); highest among the groups gnomAD compares: East Asian, 1.6%; 2 homozygotes.

Submissions (12):

Clinical Genomics Laboratory, Washington University in St. Louis
Classification: Likely pathogenic for Ichthyosis vulgaris; Dermatitis, atopic, 2. Last evaluated: 2026-04-03. Review status: criteria provided, single submitter. Criteria: ACMG Guidelines, 2015. Collection method: clinical testing. Allele origin: germline. Affected: yes.
Comment: The FLG c.12064A>T (p.Lys4022*) variant has been reported in many Asian individuals and families affected with atopic dermatitis in the heterozygous state, compound heterozygous state, and homozygous state (Jun M et al., PMID: 29676071; Kim BJ et al., PMID: 33911593; Lee SH et al., PMID: 41331711; On HR et al., PMID: 28120571; Park KY et al., PMID: 27366014). Individuals homozygous for this variant showed variable expressivity and incomplete penetrance. This variant has been reported in the ClinVar database as a germline pathogenic variant by three submitters, a likely pathogenic variant by four submitters, and a variant of uncertain significance by two submitters. The highest population minor allele frequency in the population database genome aggregation database (v.2.1.1) is 1.9% in the East Asian population, which is consistent with the reported incidence of low penetrance ichthyosis vulgaris in heterozygotes. This variant causes a premature termination codon; however, because this occurs in the last exon, this is not predicted to lead to nonsense mediated decay. This variant resides within the C terminal 157 amino acids of FLG that is critical for profillagrin-to-fillagrin processing, critical in creation of fillagrin monomers, and a spontaneous mouse mutant, the flaky tail mouse, lacks this C terminal domain (Sandilands A et al., PMID: 19386895). Based on available information and the ACMG/AMP guidelines for variant interpretation (Richards S et al., PMID: 25741868), this variant is classified as likely pathogenic.

Genetics Laboratory, Great Ormond Street Hospital NHS Foundation Trust, North Thames Genomic Laboratory Hub
Classification: Likely pathogenic for Palmoplantar keratodermas. Last evaluated: 2025-12-08. Review status: criteria provided, single submitter. Criteria: ACGS Best Practice Guidelines for Variant Classification in Rare Disease 2024 v1.2. Collection method: clinical testing. Allele origin: germline. Affected: yes.
Comment: PVS1_moderate, PM3_strong

Variantyx, Inc.
Classification: Pathogenic for Semidominant FLG-related disorders. Last evaluated: 2025-11-08. Review status: criteria provided, single submitter. Criteria: Variantyx Assertion Criteria 2022. Collection method: clinical testing. Allele origin: germline. Inheritance: Semidominant inheritance. Affected: yes.
Comment: This is a nonsense variant in the FLG gene (OMIM: 135940). Pathogenic variants in this gene have been associated with autosomal semidominant FLG-related disorders. This variant introduces a premature termination codon in exon 3 out of 3 and is expected to result in loss of function, which is a known disease mechanism for FLG in these disorders (PMID: 16444271, 17417636, 19663875) (PVS1).

Blueprint Genetics
Classification: Uncertain significance. Last evaluated: 2024-11-08. Review status: criteria provided, single submitter. Criteria: ACMG Guidelines, 2015. Collection method: clinical testing. Allele origin: germline.

Fulgent Genetics
Classification: Likely pathogenic for Ichthyosis vulgaris; Dermatitis, atopic, 2. Last evaluated: 2024-05-29. Review status: criteria provided, single submitter. Criteria: ACMG Guidelines, 2015. Collection method: clinical testing. Allele origin: germline.

Department of Pathology and Laboratory Medicine, Sinai Health System
Classification: Likely pathogenic for Ichthyosis vulgaris. Last evaluated: 2023-09-18. Review status: criteria provided, single submitter. Criteria: ACMG Guidelines, 2015. Collection method: research. Allele origin: germline.

Institute of Immunology and Genetics Kaiserslautern
Classification: Pathogenic for Ichthyosis vulgaris; Dermatitis, atopic, 2. Last evaluated: 2022-07-15. Review status: criteria provided, single submitter. Criteria: ACMG Guidelines, 2015. Collection method: clinical testing. Allele origin: germline. Affected: yes.
Comment: ACMG Criteria: PVS1, PS3, PP5; Variant was found in heterozygous state.

GeneDx
Classification: Pathogenic. Last evaluated: 2022-05-12. Review status: criteria provided, single submitter. Criteria: GeneDx Variant Classification Process June 2021. Collection method: clinical testing. Allele origin: germline. Affected: yes.
Comment: Immunohistochemical staining for filaggrin in the epidermis of patients with atopic eczema harboring this variant revealed residual, but markedly reduced, filaggrin expression compared to controls (Nemoto-Hasebe et al., 2009); Nonsense variant, located in the C-terminal incomplete filaggrin repeat, predicted to result in protein truncation, although loss-of-function variants have not been reported downstream of this position in the protein; This variant is associated with the following publications: (PMID: 27339295, 27519469, 22407025, 29380403, 30810250, 30530433, 19663875, 28143684, 28842327, 25997159, 29122406, 27366014, 28120571, 34426522, 33047146)

Mendelics
Classification: Pathogenic for Ichthyosis vulgaris. Last evaluated: 2022-05-04. Review status: criteria provided, single submitter. Criteria: Mendelics Assertion Criteria 2019. Collection method: clinical testing. Allele origin: germline.

Soonchunhyang University Bucheon Hospital, Soonchunhyang University Medical Center
Classification: Uncertain significance for Ichthyosis vulgaris. Last evaluated: 2016-03-18. Review status: criteria provided, single submitter. Criteria: ACMG Guidelines, 2015. Collection method: reference population. Allele origin: germline. Observed: 3 variant alleles.

Juno Genomics, Hangzhou Juno Genomics, Inc
Classification: Likely pathogenic for Dermatitis, atopic, 2; Ichthyosis vulgaris. Review status: criteria provided, single submitter. Criteria: ACMG Guidelines, 2015. Collection method: clinical testing. Allele origin: germline.
Comment: Null variant in a gene where loss of function (LOF) is a known mechanism of disease.;The prevalence of the variant in affected individuals is significantly increased compared to the prevalence in controls.;Patient's phenotype or family history is highly specific for a disease with a single genetic etiology.

OMIM
Classification: Uncertain significance for VARIANT OF UNKNOWN SIGNIFICANCE. Last evaluated: 2012-07-01. Review status: no assertion criteria provided. Collection method: literature only. Allele origin: germline. Not counted in ClinVar's aggregate classification.

Literature cited by the submitters: PubMed 22407025 (cited by 3 submitters); PubMed 27366014 (cited by Variantyx, Inc.); PubMed 19663875 (cited by 3 submitters); PubMed 16444271 (cited by Variantyx, Inc.); PubMed 17417636 (cited by Variantyx, Inc.).

NM_002016.2(FLG):c.12064A>T (p.Lys4022Ter)

Genes: CCDST (cervical cancer associated DHX9 suppressive transcript; plus strand), FLG (filaggrin; minus strand). Cytogenetic location: 1q21.3.
Variant type: single nucleotide variant.
Coding change: c.12064A>T on transcript NM_002016.2 (MANE Select); coding-DNA position 12064, A replaced by T.
Protein change: p.Lys4022Ter; replaces lysine 4022 with a stop codon.
Molecular consequence: nonsense.
Genome position (GRCh38, 1-based): chr1:152,302,822, T>A on the plus strand (A>T on the coding strand, the complement: FLG is on the minus strand). VCF-style: chr1-152302822-T-A. GRCh37 (hg19) VCF-style: chr1-152275298-T-A.
Other names: short protein forms K4022*.
Identifiers: ClinVar variation 126848 (VCV000126848.18), dbSNP rs146466242, ClinGen allele CA230673.